The following is an entry in ClinVar:

NM_032830.3(UTP4):c.1503A>C (p.Ala501=)

Gene: UTP4 (UTP4 small subunit processome component). Cytogenetic location: 16q22.1.
Variant type: single nucleotide variant.
Coding change: c.1503A>C on transcript NM_032830.3 (MANE Select); coding-DNA position 1503, A replaced by C.
Protein change: p.Ala501=; no amino-acid change (alanine 501 retained).
Molecular consequence: synonymous variant.
Genome position (GRCh38, 1-based): chr16:69,160,414, A>C. VCF-style: chr16-69160414-A-C. GRCh37 (hg19) VCF-style: chr16-69194317-A-C.
Other names: c.1254A>C, p.Ala418= (NM_001318391.2).
Identifiers: ClinVar variation 3060618 (VCV003060618.2), dbSNP rs1203360706, ClinGen allele CA496161433.

ClinVar aggregate classification (germline): Likely benign (0 of 4 stars; one submission).

Conditions:
UTP4-related disorder. Also called: UTP4-related condition.

gnomAD v4.1: 3 of 1,614,056 alleles (0.00019%); highest among the groups gnomAD compares: African/African-American, 0.0013%; no homozygotes.

Submission:

PreventionGenetics, part of Exact Sciences
Classification: Likely benign for UTP4-related condition. Last evaluated: 2021-06-07. Review status: no assertion criteria provided. Collection method: clinical testing. Allele origin: germline.
Comment: This variant is classified as likely benign based on ACMG/AMP sequence variant interpretation guidelines (Richards et al. 2015 PMID: 25741868, with internal and published modifications).